The following is an entry in ClinVar:

NM_001184.4(ATR):c.4495A>G (p.Ile1499Val)

Gene: ATR (ATR checkpoint kinase; minus strand). Cytogenetic location: 3q23.
Variant type: single nucleotide variant.
Coding change: c.4495A>G on transcript NM_001184.4 (MANE Select); coding-DNA position 4495, A replaced by G.
Protein change: p.Ile1499Val; replaces isoleucine 1499 with valine.
Molecular consequence: missense variant.
Genome position (GRCh38, 1-based): chr3:142,515,403, T>C on the plus strand (A>G on the coding strand, the complement: ATR is on the minus strand). VCF-style: chr3-142515403-T-C. GRCh37 (hg19) VCF-style: chr3-142234245-T-C.
Other names: c.4303A>G, p.Ile1435Val (NM_001354579.2); short protein forms I1435V, I1499V.
Identifiers: ClinVar variation 1740991 (VCV001740991.4), dbSNP rs2032815401, ClinGen allele CA354797708.
Genomic context (GRCh38, chr3:142,515,403, plus strand): 5'-TGGTTTCCTTTAGAATTTCCATTCAGTTAACAAACTGAACAGGGTTTCTTACCTTTGTAA[T>C]AAGATAACCTGCCCAAGATGCTGACCATTCTGCAAAGTTACTACCCAATTTACTTAAGTA-3'
Protein context (NP_001175.2, residues 1489-1509): EWSASWAGYL[Ile1499Val]TKVRHDLASK

ClinVar aggregate classification (germline): Uncertain significance. Review status: criteria provided, multiple submitters, no conflicts (2 of 4 stars). 2 submissions from 2 submitters: Uncertain significance (2). Last evaluated 2025-12-30.

Conditions:
Inborn genetic diseases. Identifiers: MedGen C0950123, MeSH D030342.

Allele frequency attached by ClinVar (database versions not stated): gnomAD exomes 0.00001.
gnomAD v4.1: 3 of 1,613,906 alleles (0.00019%); highest among the groups gnomAD compares: Non-Finnish European, 0.00025%; no homozygotes.

Submissions (2):

Labcorp Genetics (formerly Invitae), Labcorp
Classification: Uncertain significance. Last evaluated: 2025-12-30. Review status: criteria provided, single submitter. Criteria: Invitae Variant Classification Sherloc (09022015). Collection method: clinical testing. Allele origin: germline.
Comment: This sequence change replaces isoleucine, which is neutral and non-polar, with valine, which is neutral and non-polar, at codon 1499 of the ATR protein (p.Ile1499Val). This variant is not present in population databases (gnomAD no frequency). This variant has not been reported in the literature in individuals affected with ATR-related conditions. ClinVar contains an entry for this variant (Variation ID: 1740991). An algorithm developed to predict the effect of missense changes on protein structure and function (PolyPhen-2) suggests that this variant is likely to be tolerated. In summary, the available evidence is currently insufficient to determine the role of this variant in disease. Therefore, it has been classified as a Variant of Uncertain Significance.

Ambry Genetics
Classification: Uncertain significance for Inborn genetic diseases. Last evaluated: 2024-08-12. Review status: criteria provided, single submitter. Criteria: Ambry Variant Classification Scheme 2023. Collection method: clinical testing. Allele origin: germline.
Comment: The p.I1499V variant (also known as c.4495A>G), located in coding exon 25 of the ATR gene, results from an A to G substitution at nucleotide position 4495. The isoleucine at codon 1499 is replaced by valine, an amino acid with highly similar properties. This amino acid position is conserved. In addition, this alteration is predicted to be tolerated by in silico analysis. Since supporting evidence is limited at this time, the clinical significance of this alteration remains unclear.